The following is an entry in ClinVar:

NM_006073.4(TRDN):c.360A>T (p.Glu120Asp)

Gene: TRDN (triadin; minus strand). Cytogenetic location: 6q22.31.
Variant type: single nucleotide variant.
Coding change: c.360A>T on transcript NM_006073.4 (MANE Select); coding-DNA position 360, A replaced by T.
Protein change: p.Glu120Asp; replaces glutamic acid 120 with aspartic acid.
Molecular consequence: missense variant.
Genome position (GRCh38, 1-based): chr6:123,548,485, T>A on the plus strand (A>T on the coding strand, the complement: TRDN is on the minus strand). VCF-style: chr6-123548485-T-A. GRCh37 (hg19) VCF-style: chr6-123869630-T-A.
Other names: c.360A>T, p.Glu120Asp (NM_001251987.2, NM_001256020.2, NM_001256021.2 and 1 more transcripts); c.360A>T (NM_006073.2); short protein forms E120D.
Identifiers: ClinVar variation 1061286 (VCV001061286.6), dbSNP rs1433101332, ClinGen allele CA365568709.

ClinVar aggregate classification (germline): Conflicting classifications of pathogenicity. Review status: criteria provided, conflicting classifications (1 of 4 stars). 2 submissions from 2 submitters: Uncertain significance (1); Likely benign (1). Last evaluated 2026-03-09.

Conditions:
Cardiovascular phenotype. Identifiers: MedGen CN230736.
Catecholaminergic polymorphic ventricular tachycardia 1. Also called: VENTRICULAR TACHYCARDIA, CATECHOLAMINERGIC POLYMORPHIC, 1, WITH OR WITHOUT ATRIAL DYSFUNCTION AND/OR DILATED CARDIOMYOPATHY; RYR2-Related Catecholaminergic Polymorphic Ventricular Tachycardia; VENTRICULAR TACHYCARDIA, STRESS-INDUCED POLYMORPHIC 1. Identifiers: Orphanet 3286, MedGen C1631597, MONDO:0011484, OMIM 604772.

Allele frequency attached by ClinVar (database versions not stated): gnomAD 0.00001; gnomAD exomes 0.00001 and 0.00002; TOPMed 0.00001.
gnomAD v4.1: 24 of 1,573,210 alleles (0.0015%); highest among the groups gnomAD compares: Non-Finnish European, 0.0019%; no homozygotes.

Submissions (2):

Ambry Genetics
Classification: Likely benign for Cardiovascular phenotype. Last evaluated: 2026-03-09. Review status: criteria provided, single submitter. Criteria: Ambry Variant Classification Scheme 2023. Collection method: clinical testing. Allele origin: germline.

Labcorp Genetics (formerly Invitae), Labcorp
Classification: Uncertain significance for Catecholaminergic polymorphic ventricular tachycardia 1. Last evaluated: 2023-10-03. Review status: criteria provided, single submitter. Criteria: Invitae Variant Classification Sherloc (09022015). Collection method: clinical testing. Allele origin: germline.
Comment: This sequence change replaces glutamic acid, which is acidic and polar, with aspartic acid, which is acidic and polar, at codon 120 of the TRDN protein (p.Glu120Asp). The frequency data for this variant in the population databases is considered unreliable, as metrics indicate poor data quality at this position in the gnomAD database. This variant has not been reported in the literature in individuals affected with TRDN-related conditions. ClinVar contains an entry for this variant (Variation ID: 1061286). Advanced modeling of protein sequence and biophysical properties (such as structural, functional, and spatial information, amino acid conservation, physicochemical variation, residue mobility, and thermodynamic stability) performed at Invitae indicates that this missense variant is not expected to disrupt TRDN protein function. In summary, the available evidence is currently insufficient to determine the role of this variant in disease. Therefore, it has been classified as a Variant of Uncertain Significance.